The following is an entry in ClinVar:

NM_001298.3(CNGA3):c.1976A>C (p.Lys659Thr)

Gene: CNGA3 (cyclic nucleotide gated channel subunit alpha 3; plus strand). Cytogenetic location: 2q11.2.
Variant type: single nucleotide variant.
Coding change: c.1976A>C on transcript NM_001298.3 (MANE Select); coding-DNA position 1976, A replaced by C.
Protein change: p.Lys659Thr; replaces lysine 659 with threonine.
Molecular consequence: missense variant.
Genome position (GRCh38, 1-based): chr2:98,397,146, A>C. VCF-style: chr2-98397146-A-C. GRCh37 (hg19) VCF-style: chr2-99013609-A-C.
Other names: c.1922A>C, p.Lys641Thr (NM_001079878.2); short protein forms K641T, K659T.
Identifiers: ClinVar variation 840678 (VCV000840678.10), dbSNP rs191584433, ClinGen allele CA1794126.

ClinVar aggregate classification (germline): Uncertain significance. Review status: criteria provided, multiple submitters, no conflicts (2 of 4 stars). 5 submissions from 5 submitters: Uncertain significance (5). Last evaluated 2026-09-23.

Conditions:
Achromatopsia 2 (ACHM2). Also called: COLORBLINDNESS, TOTAL; ROD MONOCHROMACY 2; ROD MONOCHROMATISM 2. Identifiers: Orphanet 49382, MedGen C1857618, MONDO:0009003, OMIM 216900.
CNGA3-related disorder. Also called: CNGA3-related condition.
Inborn genetic diseases. Identifiers: MedGen C0950123, MeSH D030342.

Allele frequency attached by ClinVar (database versions not stated): ExAC 0.00001; gnomAD exomes 0.00002; gnomAD 0.00009 and 0.00010; TOPMed 0.00014; 1000 Genomes Project 30x 0.00016; 1000 Genomes Project 0.00020.
gnomAD v4.1: 48 of 1,614,114 alleles (0.003%); highest among the groups gnomAD compares: Admixed American, 0.017%; no homozygotes.

Submissions (5):

PreventionGenetics, part of Exact Sciences
Classification: Uncertain significance for CNGA3-related condition. Last evaluated: 2026-09-23. Review status: criteria provided, single submitter. Criteria: ACMG Guidelines, 2015. Collection method: clinical testing. Allele origin: germline.
Comment: The CNGA3 c.1976A>C variant is predicted to result in the amino acid substitution p.Lys659Thr. To our knowledge, this variant has not been reported in the literature. This variant is reported in 0.0058% of alleles in individuals of Latino descent in gnomAD. At this time, the clinical significance of this variant is uncertain due to the absence of conclusive functional and genetic evidence.

Dasa
Classification: Uncertain significance for Achromatopsia 2. Last evaluated: 2025-02-27. Review status: criteria provided, single submitter. Criteria: DASA Assertion Criteria. Collection method: clinical testing. Allele origin: germline.
Comment: NM_001298.3(CNGA3):c.1976A>C (p.Lys659Thr) is a missense variant that results in the substitution of lysine with threonine. This variant is rare in population databases. Computational prediction algorithms are consistent with a deleterious effect. The currently available literature and clinical evidence are not sufficient to establish a definitive association between this variant and the reported condition. Therefore, this variant is classified as a variant of uncertain significance.

Ambry Genetics
Classification: Uncertain significance for Inborn genetic diseases. Last evaluated: 2023-12-22. Review status: criteria provided, single submitter. Criteria: Ambry Variant Classification Scheme 2023. Collection method: clinical testing. Allele origin: germline.

Labcorp Genetics (formerly Invitae), Labcorp
Classification: Uncertain significance. Last evaluated: 2022-09-01. Review status: criteria provided, single submitter. Criteria: Invitae Variant Classification Sherloc (09022015). Collection method: clinical testing. Allele origin: germline.
Comment: This sequence change replaces lysine, which is basic and polar, with threonine, which is neutral and polar, at codon 659 of the CNGA3 protein (p.Lys659Thr). This variant is present in population databases (rs191584433, gnomAD 0.003%). This missense change has been observed in individual(s) with clinical features of retinitis pigmentosa (Invitae). ClinVar contains an entry for this variant (Variation ID: 840678). Advanced modeling of protein sequence and biophysical properties (such as structural, functional, and spatial information, amino acid conservation, physicochemical variation, residue mobility, and thermodynamic stability) performed at Invitae indicates that this missense variant is expected to disrupt CNGA3 protein function. In summary, the available evidence is currently insufficient to determine the role of this variant in disease. Therefore, it has been classified as a Variant of Uncertain Significance.

Blueprint Genetics
Classification: Uncertain significance. Last evaluated: 2022-01-28. Review status: criteria provided, single submitter. Criteria: ACMG Guidelines, 2015. Collection method: clinical testing. Allele origin: germline.